The following is an entry in ClinVar:

NM_006270.5(RRAS):c.334G>T (p.Asp112Tyr)

Gene: RRAS (RAS related; minus strand). Cytogenetic location: 19q13.33.
Variant type: single nucleotide variant.
Coding change: c.334G>T on transcript NM_006270.5 (MANE Select); coding-DNA position 334, G replaced by T.
Protein change: p.Asp112Tyr; replaces aspartic acid 112 with tyrosine.
Molecular consequence: missense variant.
Genome position (GRCh38, 1-based): chr19:49,636,834, C>A on the plus strand (G>T on the coding strand, the complement: RRAS is on the minus strand). VCF-style: chr19-49636834-C-A. GRCh37 (hg19) VCF-style: chr19-50140091-C-A.
Other names: short protein forms D112Y.
Identifiers: ClinVar variation 2497326 (VCV002497326.2), dbSNP rs754703800, ClinGen allele CA406846957.

ClinVar aggregate classification (germline): Uncertain significance (1 of 4 stars; one submission).

Submission:

Ambry Genetics
Classification: Uncertain significance. Last evaluated: 2022-11-27. Review status: criteria provided, single submitter. Criteria: Ambry Variant Classification Scheme 2023. Collection method: clinical testing. Allele origin: germline.
Comment: The p.D112Y variant (also known as c.334G>T), located in coding exon 3 of the RRAS gene, results from a G to T substitution at nucleotide position 334. The aspartic acid at codon 112 is replaced by tyrosine, an amino acid with highly dissimilar properties. This amino acid position is conserved. In addition, this alteration is predicted to be deleterious by in silico analysis. Since supporting evidence is limited at this time, the clinical significance of this alteration remains unclear.